The following is an entry in ClinVar:

NM_001605.3(AARS1):c.2552G>C (p.Ser851Thr)

Gene: AARS1 (alanyl-tRNA synthetase 1; minus strand). Cytogenetic location: 16q22.1.
Variant type: single nucleotide variant.
Coding change: c.2552G>C on transcript NM_001605.3 (MANE Select); coding-DNA position 2552, G replaced by C.
Protein change: p.Ser851Thr; replaces serine 851 with threonine.
Molecular consequence: missense variant.
Genome position (GRCh38, 1-based): chr16:70,253,769, C>G on the plus strand (G>C on the coding strand, the complement: AARS1 is on the minus strand). VCF-style: chr16-70253769-C-G. GRCh37 (hg19) VCF-style: chr16-70287672-C-G.
Other names: short protein forms S851T.
Identifiers: ClinVar variation 1208908 (VCV001208908.3), dbSNP rs368011194, ClinGen allele CA396554991.

ClinVar aggregate classification (germline): Uncertain significance (1 of 4 stars; one submission).

Submission:

GeneDx
Classification: Uncertain significance. Last evaluated: 2020-09-04. Review status: criteria provided, single submitter. Criteria: GeneDx Variant Classification Process June 2021. Collection method: clinical testing. Allele origin: germline. Affected: yes.
Comment: Not observed in large population cohorts (Lek et al., 2016); In silico analysis supports that this missense variant does not alter protein structure/function; Has not been previously published as pathogenic or benign to our knowledge